The following is an entry in ClinVar:

NM_000155.4(GALT):c.328+1G>C

Gene: GALT (galactose-1-phosphate uridylyltransferase; plus strand). Cytogenetic location: 9p13.3.
Variant type: single nucleotide variant.
Coding change: c.328+1G>C on transcript NM_000155.4 (MANE Select); the canonical splice donor site of the intron after coding-DNA position 328, G replaced by C.
Molecular consequence: splice donor variant. On other transcripts: intron variant (1).
Genome position (GRCh38, 1-based): chr9:34,647,568, G>C. VCF-style: chr9-34647568-G-C. GRCh37 (hg19) VCF-style: chr9-34647565-G-C.
Other names: c.51-264G>C (NM_001258332.2).
Identifiers: ClinVar variation 2633382 (VCV002633382.1), dbSNP rs2492864348, ClinGen allele CA373280184.

ClinVar aggregate classification (germline): Likely pathogenic (1 of 4 stars; one submission).

Conditions:
GALT-related disorder. Also called: GALT-related condition.

Submission:

PreventionGenetics, part of Exact Sciences
Classification: Likely pathogenic for GALT-related condition. Last evaluated: 2023-03-31. Review status: criteria provided, single submitter. Criteria: ACMG Guidelines, 2015. Collection method: clinical testing. Allele origin: germline.
Comment: The GALT c.328+1G>C variant is predicted to disrupt the GT donor site and interfere with normal splicing. To our knowledge, this variant has not been reported in the literature or in a large population database, indicating this variant is rare. Variants that disrupt the consensus splice donor site in GALT are expected to be pathogenic. This variant is interpreted as likely pathogenic.